The following is an entry in ClinVar:

NM_000083.3(CLCN1):c.1876C>T (p.Arg626Ter)

Gene: CLCN1 (chloride voltage-gated channel 1; plus strand). Cytogenetic location: 7q34.
Variant type: single nucleotide variant.
Coding change: c.1876C>T on transcript NM_000083.3 (MANE Select); coding-DNA position 1876, C replaced by T.
Protein change: p.Arg626Ter; replaces arginine 626 with a stop codon.
Molecular consequence: nonsense. On other transcripts: non-coding transcript variant (1).
Genome position (GRCh38, 1-based): chr7:143,342,451, C>T. VCF-style: chr7-143342451-C-T. GRCh37 (hg19) VCF-style: chr7-143039544-C-T.
Other names: short protein forms R626*.
Identifiers: ClinVar variation 447058 (VCV000447058.18), dbSNP rs201894078, ClinGen allele CA168224771.

ClinVar aggregate classification (germline): Pathogenic. Review status: criteria provided, multiple submitters, no conflicts (2 of 4 stars). 6 submissions from 6 submitters: Pathogenic (6). Last evaluated 2026-08-20.

Conditions:
Congenital myotonia, autosomal recessive form. Also called: Becker Generalized Myotonia; myotonia congenita, autosomal recessive; BECKER DISEASE. Identifiers: Orphanet 614, MedGen C0751360, MONDO:0009715, OMIM 255700.
Congenital myotonia, autosomal dominant form (THD). Also called: THOMSEN DISEASE; Myotonia congenita autosomal dominant. Identifiers: Orphanet 614, MedGen C2936781, MONDO:0008055, OMIM 160800.

Allele frequency attached by ClinVar (database versions not stated): gnomAD exomes 0.00001; gnomAD 0.00001; TOPMed 0.00002.
gnomAD v4.1: 10 of 1,613,888 alleles (0.00062%); highest among the groups gnomAD compares: East Asian, 0.0045%; no homozygotes.

Submissions (6):

GeneDx
Classification: Pathogenic. Last evaluated: 2026-08-20. Review status: criteria provided, single submitter. Criteria: GeneDx Variant Classification Process June 2021. Collection method: clinical testing. Allele origin: germline.
Comment: Observed in the heterozygous state in a patient with non-dystrophic myotonia in published literature; this individual's father with calf hypertrophy but no other clinical features of myotonia was also heterozygous for the variant (Lau WL et al. (2019) HK J Paediatr (New Series). (24):93-96;24;93-96.pdf); Nonsense variant predicted to result in protein truncation or nonsense mediated decay in a gene for which loss of function is a known mechanism of disease; Not observed at significant frequency in large population cohorts (gnomAD); This variant is associated with the following publications: (PMID: 10619717, 34790634, 23113340, 31069529, 32660787, Lau_2019_CaseReport, Song2021[CaseReport], 40490814)

Labcorp Genetics (formerly Invitae), Labcorp
Classification: Pathogenic for Congenital myotonia, autosomal recessive form; Congenital myotonia, autosomal dominant form. Last evaluated: 2025-12-30. Review status: criteria provided, single submitter. Criteria: Invitae Variant Classification Sherloc (09022015). Collection method: clinical testing. Allele origin: germline.
Comment: This sequence change creates a premature translational stop signal (p.Arg626*) in the CLCN1 gene. It is expected to result in an absent or disrupted protein product. Loss-of-function variants in CLCN1 are known to be pathogenic (PMID: 17932099, 22094069, 23739125). This variant is present in population databases (rs201894078, gnomAD 0.003%). This premature translational stop signal has been observed in individuals with non-dystrophic myotonia (PMID: 23113340). ClinVar contains an entry for this variant (Variation ID: 447058). For these reasons, this variant has been classified as Pathogenic.

Revvity Omics, Revvity
Classification: Pathogenic. Last evaluated: 2025-07-12. Review status: criteria provided, single submitter. Criteria: ACMG Guidelines, 2015. Collection method: clinical testing. Allele origin: germline.

Athena Diagnostics
Classification: Pathogenic. Last evaluated: 2023-10-25. Review status: criteria provided, single submitter. Criteria: Athena Diagnostics Criteria. Collection method: clinical testing. Allele origin: unknown.
Comment: This variant is expected to result in the loss of a functional protein. The frequency of this variant in the general population is consistent with pathogenicity. In multiple individuals with myotonia congenita, this variant has been seen with a single recessive pathogenic variant in the same gene, suggesting this variant may also be pathogenic.

Clinical Genetics Laboratory, Skane University Hospital Lund
Classification: Pathogenic. Last evaluated: 2023-07-24. Review status: criteria provided, single submitter. Criteria: ACMG Guidelines, 2015. Collection method: clinical testing. Allele origin: germline. Affected: yes.

Mayo Clinic Laboratories, Mayo Clinic
Classification: Pathogenic. Last evaluated: 2023-06-28. Review status: criteria provided, single submitter. Criteria: ACMG Guidelines, 2015. Collection method: clinical testing. Allele origin: germline. Observed: 1 variant allele.
Comment: PM2_moderate, PM3, PVS1

Literature cited by the submitters: PubMed 17932099 (cited by Labcorp Genetics (formerly Invitae), Labcorp); PubMed 22094069 (cited by Labcorp Genetics (formerly Invitae), Labcorp); PubMed 23739125 (cited by Labcorp Genetics (formerly Invitae), Labcorp); PubMed 23113340 (cited by 3 submitters); PubMed 31069529 (cited by Athena Diagnostics and Mayo Clinic Laboratories, Mayo Clinic); PubMed 32660787 (cited by Athena Diagnostics and Mayo Clinic Laboratories, Mayo Clinic); PubMed 34790634 (cited by Athena Diagnostics).